The following is an entry in ClinVar:

ClinVar aggregate classification (germline): Pathogenic (1 of 4 stars; one submission).

Conditions:
Joubert syndrome. Also called: CEREBELLOPARENCHYMAL DISORDER IV; JOUBERT-BOLTSHAUSER SYNDROME; Familial aplasia of the vermis. Identifiers: Orphanet 475, MedGen C5979921, MONDO:0018772.
Nephronophthisis. Also called: Juvenile Nephronophthisis. Identifiers: Orphanet 655, MedGen C0687120, MONDO:0019005, HP:0000090.
Meckel-Gruber syndrome. Also called: DYSENCEPHALIA SPLANCHNOCYSTICA; GRUBER SYNDROME; Dysencephalia splachnocystica. Identifiers: Orphanet 564, MedGen C0265215, MONDO:0018921.

Submission:

Labcorp Genetics (formerly Invitae), Labcorp
Classification: Pathogenic for Joubert syndrome; Meckel-Gruber syndrome; Nephronophthisis. Last evaluated: 2021-06-06. Review status: criteria provided, single submitter. Criteria: Invitae Variant Classification Sherloc (09022015). Collection method: clinical testing. Allele origin: germline.
Comment: This sequence change creates a premature translational stop signal (p.Lys2179Asnfs*10) in the CEP290 gene. It is expected to result in an absent or disrupted protein product. Loss-of-function variants in CEP290 are known to be pathogenic (PMID: 16909394, 17345604, 20690115). This variant is not present in population databases (ExAC no frequency). This variant has not been reported in the literature in individuals with CEP290-related conditions. For these reasons, this variant has been classified as Pathogenic.

Literature cited by the submitters: PubMed 16909394; PubMed 17345604; PubMed 20690115.

NM_025114.4(CEP290):c.6537del (p.Lys2179fs)

Gene: CEP290 (centrosomal protein 290; minus strand). Cytogenetic location: 12q21.32.
Variant type: Deletion.
Coding change: c.6537del on transcript NM_025114.4 (MANE Select); coding-DNA position 6537, one base deleted (A; older notation c.6537delA).
Protein change: p.Lys2179fs; shifts the reading frame from lysine 2179.
Molecular consequence: frameshift variant.
Genome position (GRCh38, 1-based): chr12:88,060,006, T deleted on the plus strand (A on the coding strand, the reverse complement: CEP290 is on the minus strand); the first of 5 consecutive T bases (chr12:88,060,006-88,060,010); deleting any one gives the same sequence. VCF-style (leftmost placement, unchanged base first): chr12-88060005-GT-G. GRCh37 (hg19) VCF-style: chr12-88453782-GT-G.
Other names: short protein forms K2179fs.
Identifiers: ClinVar variation 1396787 (VCV001396787.6), dbSNP rs2136728464, ClinGen allele CA2573149110.
Genomic context (GRCh38, chr12:88,060,005, plus strand): 5'-CTGTGCCTTTGGTCTTGGATTCATAGTGCATGCTCAACTGATGCCCAAGATGAGCTTTAA[GT>G]TTTTCTAATTCAGCCTAGTAAAAAAACAAACAAAATAAAAAGTATACATTATCAAAACAA-3'